The following is an entry in ClinVar:

NM_182961.4(SYNE1):c.15368A>G (p.Lys5123Arg)

Gene: SYNE1 (spectrin repeat containing nuclear envelope protein 1; minus strand). Cytogenetic location: 6q25.2.
Variant type: single nucleotide variant.
Coding change: c.15368A>G on transcript NM_182961.4 (MANE Select); coding-DNA position 15368, A replaced by G.
Protein change: p.Lys5123Arg; replaces lysine 5123 with arginine.
Molecular consequence: missense variant.
Genome position (GRCh38, 1-based): chr6:152,326,028, T>C on the plus strand (A>G on the coding strand, the complement: SYNE1 is on the minus strand). VCF-style: chr6-152326028-T-C. GRCh37 (hg19) VCF-style: chr6-152647163-T-C.
Other names: c.15155A>G, p.Lys5052Arg (NM_033071.5); short protein forms K5052R, K5123R.
Identifiers: ClinVar variation 1369415 (VCV001369415.8), dbSNP rs2153952840, ClinGen allele CA366092744.

ClinVar aggregate classification (germline): Uncertain significance (1 of 4 stars; one submission).

Conditions:
Emery-Dreifuss muscular dystrophy 4, autosomal dominant (EDMD4). Also called: EMERY-DREIFUSS MUSCULAR DYSTROPHY 4 WITH VARIABLE FEATURES. Identifiers: Orphanet 261, MedGen C2751807, MONDO:0013071, OMIM 612998.
Autosomal recessive ataxia, Beauce type. Also called: SYNE1-Related Autosomal Recessive Cerebellar Ataxia; Spinocerebellar ataxia, autosomal recessive 8; ATAXIA, RECESSIVE, OF BEAUCE; SYNE1 Deficiency. Identifiers: Orphanet 88644, MedGen C1853116, MONDO:0012549, OMIM 610743.

gnomAD v4.1: 1 of 1,614,172 alleles (0.000062%); highest among the groups gnomAD compares: Non-Finnish European, 0.000085%; no homozygotes.

Submission:

Labcorp Genetics (formerly Invitae), Labcorp
Classification: Uncertain significance for Emery-Dreifuss muscular dystrophy 4, autosomal dominant; Autosomal recessive ataxia, Beauce type. Last evaluated: 2023-07-17. Review status: criteria provided, single submitter. Criteria: Invitae Variant Classification Sherloc (09022015). Collection method: clinical testing. Allele origin: germline.
Comment: This sequence change replaces lysine, which is basic and polar, with arginine, which is basic and polar, at codon 5052 of the SYNE1 protein (p.Lys5052Arg). This variant is not present in population databases (gnomAD no frequency). This variant has not been reported in the literature in individuals affected with SYNE1-related conditions. ClinVar contains an entry for this variant (Variation ID: 1369415). An algorithm developed to predict the effect of missense changes on protein structure and function (PolyPhen-2) suggests that this variant is likely to be tolerated. In summary, the available evidence is currently insufficient to determine the role of this variant in disease. Therefore, it has been classified as a Variant of Uncertain Significance.